The following is an entry in ClinVar:

NM_175875.5(SIX5):c.151G>A (p.Gly51Arg)

Genes: DM1-AS (DM1 locus antisense RNA; plus strand), SIX5 (SIX homeobox 5; minus strand), LOC107075317 (origin of replication in DMPK trinucleotide repeat region; plus strand), LOC129929037 (ATAC-STARR-seq lymphoblastoid silent region 10794; plus strand). Cytogenetic location: 19q13.32.
Variant type: single nucleotide variant.
Coding change: c.151G>A on transcript NM_175875.5 (MANE Select); coding-DNA position 151, G replaced by A.
Protein change: p.Gly51Arg; replaces glycine 51 with arginine.
Molecular consequence: missense variant.
Genome position (GRCh38, 1-based): chr19:45,768,694, C>T on the plus strand (G>A on the coding strand, the complement: SIX5 is on the minus strand). VCF-style: chr19-45768694-C-T. GRCh37 (hg19) VCF-style: chr19-46271952-C-T.
Other names: short protein forms G51R.
Identifiers: ClinVar variation 2807329 (VCV002807329.3), dbSNP rs1279549169, ClinGen allele CA406424530.

ClinVar aggregate classification (germline): Uncertain significance (1 of 4 stars; one submission).

Allele frequency attached by ClinVar (database versions not stated): gnomAD 0.00001.

Submission:

Labcorp Genetics (formerly Invitae), Labcorp
Classification: Uncertain significance. Last evaluated: 2023-04-29. Review status: criteria provided, single submitter. Criteria: Invitae Variant Classification Sherloc (09022015). Collection method: clinical testing. Allele origin: germline.
Comment: This variant has not been reported in the literature in individuals affected with SIX5-related conditions. This variant is not present in population databases (gnomAD no frequency). This sequence change replaces glycine, which is neutral and non-polar, with arginine, which is basic and polar, at codon 51 of the SIX5 protein (p.Gly51Arg). Advanced modeling of protein sequence and biophysical properties (such as structural, functional, and spatial information, amino acid conservation, physicochemical variation, residue mobility, and thermodynamic stability) performed at Invitae indicates that this missense variant is not expected to disrupt SIX5 protein function. In summary, the available evidence is currently insufficient to determine the role of this variant in disease. Therefore, it has been classified as a Variant of Uncertain Significance.